The following is an entry in ClinVar:

NM_000059.4(BRCA2):c.6373_6374delinsG (p.Thr2125fs)

Gene: BRCA2 (BRCA2 DNA repair associated; plus strand). Cytogenetic location: 13q13.1.
Variant type: Indel.
Coding change: c.6373_6374delinsG on transcript NM_000059.4 (MANE Select); coding-DNA positions 6373 to 6374, AC replaced by G.
Protein change: p.Thr2125fs; shifts the reading frame from threonine 2125.
Molecular consequence: frameshift variant.
Genome position (GRCh38, 1-based): chr13:32,340,728-32,340,729, AC replaced by G. VCF-style: chr13-32340728-AC-G. GRCh37 (hg19) VCF-style: chr13-32914865-AC-G.
Other names: c.6373_6374delACinsG, p.Thr2125Alafs (NM_001406719.1, NM_001406720.1); short protein forms T2125fs.
Identifiers: ClinVar variation 438996 (VCV000438996.10), dbSNP rs1555284655, ClinGen allele CA645509067.

ClinVar aggregate classification (germline): Pathogenic. Review status: reviewed by expert panel (3 of 4 stars). 5 submissions from 5 submitters: Pathogenic (1). 4 of the submissions do not count toward it. Last evaluated 2017-12-15.

Conditions:
Breast-ovarian cancer, familial, susceptibility to, 2 (BROVCA2). Also called: BRCA2 Hereditary Breast and Ovarian Cancer. Identifiers: Orphanet 145, MedGen C2675520, MONDO:0012933, OMIM 612555. Disease mechanism: loss of function.
Hereditary cancer-predisposing syndrome. Also called: Hereditary Cancer Syndrome; Hereditary neoplastic syndrome; Tumor predisposition; Neoplastic Syndromes, Hereditary. Identifiers: Orphanet 140162, MedGen C0027672, MeSH D009386, MONDO:0015356.
Hereditary breast ovarian cancer syndrome. Also called: Hereditary breast and ovarian cancer syndrome; BRCA1- and BRCA2-Associated Hereditary Breast and Ovarian Cancer; Hereditary breast and ovarian cancer syndrome (HBOC); Hereditary breast and/or ovarian cancer syndrome; Hereditary breast and ovarian cancer; Breast and ovarian cancer. Identifiers: Orphanet 145, MedGen C0677776, MeSH D061325, MONDO:0003582. Disease mechanism: loss of function.

Submissions (5):

Evidence-based Network for the Interpretation of Germline Mutant Alleles (ENIGMA)
Classification: Pathogenic for Breast-ovarian cancer, familial, susceptibility to, 2. Last evaluated: 2017-12-15. Review status: reviewed by expert panel. Criteria: ENIGMA BRCA1/2 Classification Criteria (2017-06-29). Collection method: curation. Allele origin: germline. Study: ENIGMA.
Comment: Variant allele predicted to encode a truncated non-functional protein.

Labcorp Genetics (formerly Invitae), Labcorp
Classification: Pathogenic for Hereditary breast ovarian cancer syndrome. Last evaluated: 2025-07-31. Review status: criteria provided, single submitter. Criteria: Invitae Variant Classification Sherloc (09022015). Collection method: clinical testing. Allele origin: germline. Not counted in ClinVar's aggregate classification.
Comment: This sequence change creates a premature translational stop signal (p.Thr2125Alafs*12) in the BRCA2 gene. It is expected to result in an absent or disrupted protein product. Loss-of-function variants in BRCA2 are known to be pathogenic (PMID: 20104584). This variant is not present in population databases (gnomAD no frequency). This variant has not been reported in the literature in individuals affected with BRCA2-related conditions. ClinVar contains an entry for this variant (Variation ID: 52075). For these reasons, this variant has been classified as Pathogenic.

Women's Health and Genetics/Laboratory Corporation of America, LabCorp
Classification: Pathogenic for Hereditary breast ovarian cancer syndrome. Last evaluated: 2021-02-12. Review status: criteria provided, single submitter. Criteria: LabCorp Variant Classification Summary - May 2015. Collection method: clinical testing. Allele origin: germline. Not counted in ClinVar's aggregate classification.
Comment: Variant summary: BRCA2 c.6373_6374delinsG (p.Thr2125AlafsX12) results in a premature termination codon, predicted to cause a truncation of the encoded protein or absence of the protein due to nonsense mediated decay, which are commonly known mechanisms for disease. Truncations downstream of this position have been classified as pathogenic by our laboratory. The variant was absent in 237640 control chromosomes (gnomAD). This variant has been reported in a patient affected with breast and/or ovarian cancer (UMD-BRCA2 database), in addition, overlapping truncating variants (e.g. c.6373delA, c.6373dupA, c.6373_6375delACCinsG) were also reported in several affected individuals (HGMD). To our knowledge, no experimental evidence demonstrating its impact on protein function have been reported. Three other submitters, including an expert panel (ENIGMA), have provided clinical-significance assessments for this variant in ClinVar after 2014, and classified the variant as pathogenic (2x; including the expert panel) or likely pathogenic (1x). Based on the evidence outlined above, the variant was classified as pathogenic.

Ambry Genetics
Classification: Pathogenic for Hereditary cancer-predisposing syndrome. Last evaluated: 2020-03-11. Review status: criteria provided, single submitter. Criteria: Ambry Variant Classification Scheme 2023. Collection method: clinical testing. Allele origin: germline. Not counted in ClinVar's aggregate classification.
Comment: The c.6373_6374delACinsG pathogenic mutation, located in coding exon 10 of the BRCA2 gene, results from the deletion of two nucleotides and insertion of one nucleotide causing a translational frameshift with a predicted alternate stop codon (p.T2125Afs*12). This alteration is expected to result in loss of function by premature protein truncation or nonsense-mediated mRNA decay. As such, this alteration is interpreted as a disease-causing mutation.

Quest Diagnostics Nichols Institute San Juan Capistrano
Classification: Likely pathogenic. Last evaluated: 2017-03-30. Review status: criteria provided, single submitter. Criteria: Quest Diagnostics criteria. Collection method: clinical testing. Allele origin: germline. Not counted in ClinVar's aggregate classification.

Literature cited by the submitters: PubMed 20104584 (cited by Labcorp Genetics (formerly Invitae), Labcorp).